The following is an entry in ClinVar:

NM_001267550.2(TTN):c.107066A>G (p.Gln35689Arg)

Genes: TTN (titin; minus strand), TTN-AS1 (TTN antisense RNA 1; plus strand). Cytogenetic location: 2q31.2.
Variant type: single nucleotide variant.
Coding change: c.107066A>G on transcript NM_001267550.2 (MANE Select); coding-DNA position 107066, A replaced by G.
Protein change: p.Gln35689Arg; replaces glutamine 35689 with arginine.
Molecular consequence: missense variant.
Genome position (GRCh38, 1-based): chr2:178,528,685, T>C on the plus strand (A>G on the coding strand, the complement: TTN is on the minus strand). VCF-style: chr2-178528685-T-C. GRCh37 (hg19) VCF-style: chr2-179393412-T-C.
Other names: c.102143A>G, p.Gln34048Arg (NM_001256850.1); c.79871A>G, p.Gln26624Arg (NM_003319.4); c.99362A>G, p.Gln33121Arg (NM_133378.4); c.80246A>G, p.Gln26749Arg (NM_133432.3); c.80447A>G, p.Gln26816Arg (NM_133437.4); short protein forms Q35689R, Q26624R, Q26749R, Q26816R, Q33121R, Q34048R.
Identifiers: ClinVar variation 581045 (VCV000581045.9), dbSNP rs1451601178, ClinGen allele CA349402060.

ClinVar aggregate classification (germline): Uncertain significance (1 of 4 stars; one submission).

Conditions:
Dilated cardiomyopathy 1G (CMD1G). Identifiers: Orphanet 154, MedGen C1858763, MONDO:0011400, OMIM 604145.
Autosomal recessive limb-girdle muscular dystrophy type 2J (LGMDR10). Also called: Limb-girdle muscular dystrophy, type 2J; MUSCULAR DYSTROPHY, LIMB-GIRDLE, AUTOSOMAL RECESSIVE 10. Identifiers: Orphanet 140922, MedGen C1837342, MONDO:0012127, OMIM 608807.

Allele frequency attached by ClinVar (database versions not stated): gnomAD exomes below 0.00001 and 0.00001.
gnomAD v4.1: 20 of 1,613,552 alleles (0.0012%); highest among the groups gnomAD compares: Non-Finnish European, 0.0015%; no homozygotes.

Submission:

Labcorp Genetics (formerly Invitae), Labcorp
Classification: Uncertain significance for Dilated cardiomyopathy 1G; Autosomal recessive limb-girdle muscular dystrophy type 2J. Last evaluated: 2025-07-29. Review status: criteria provided, single submitter. Criteria: Invitae Variant Classification Sherloc (09022015). Collection method: clinical testing. Allele origin: germline.
Comment: This sequence change replaces glutamine, which is neutral and polar, with arginine, which is basic and polar, at codon 35689 of the TTN protein (p.Gln35689Arg). This variant is present in population databases (no rsID available, gnomAD 0.0009%). This missense change has been observed in individual(s) with dilated cardiomyopathy (PMID: 31983221). ClinVar contains an entry for this variant (Variation ID: 581045). Experimental studies and prediction algorithms are not available or were not evaluated, and the functional significance of this variant is currently unknown. This variant is located in the M band of TTN (PMID: 25589632). Non-truncating variants in this region may be relevant for neuromuscular disorders, but have not been definitively shown to cause cardiomyopathy (PMID: 23975875). In summary, the available evidence is currently insufficient to determine the role of this variant in disease. Therefore, it has been classified as a Variant of Uncertain Significance.

Literature cited by the submitters: PubMed 31983221; PubMed 25589632; PubMed 23975875.